The following is an entry in ClinVar:

ClinVar aggregate classification (germline): Likely pathogenic (1 of 4 stars; one submission).

Submission:

GeneDx
Classification: Likely pathogenic. Last evaluated: 2015-12-17. Review status: criteria provided, single submitter. Criteria: GeneDx Variant Classification (06012015). Collection method: clinical testing. Allele origin: germline. Affected: yes.
Comment: The c.1651dupA variant has not been published as a pathogenic variant, nor has it been reported as a benign variant to our knowledge. It was not observed in approximately 6,500 individuals of European and African American ancestry in the NHLBI Exome Sequencing Project, indicating it is not a common benign variant in these populations. The c.1651dupA variant causes a frameshift starting with codon Threonine 551, changes this amino acid to an Asparagine residue and creates a premature Stop codon at position 13 of the new reading frame, denoted p.Thr551AsnfsX13. This variant is predicted to cause loss of normal protein function either through protein truncation or nonsense-mediated mRNA decay. Therefore, this variant is likely pathogenic; however, the possibility that it is benign cannot be excluded.

NM_015443.4(KANSL1):c.1651dup (p.Thr551fs)

Gene: KANSL1 (KAT8 regulatory NSL complex subunit 1). Cytogenetic location: 17q21.31.
Variant type: Duplication.
Coding change: c.1651dup on transcript NM_015443.4 (MANE Select); coding-DNA position 1651, one base duplicated.
Protein change: p.Thr551fs; shifts the reading frame from threonine 551.
Molecular consequence: frameshift variant.
Genome position: GRCh38 VCF-style: chr17-46067549-G-GT. GRCh37 (hg19) VCF-style: chr17-44144915-G-GT.
Other names: c.1651dup, p.Thr551fs (NM_001193465.2, NM_001193466.2, NM_001379198.1); short protein forms T551fs.
Identifiers: ClinVar variation 372832 (VCV000372832.2), dbSNP rs1057518010, ClinGen allele CA16043046.